The following is an entry in ClinVar:

ClinVar aggregate classification (germline): Uncertain significance (1 of 4 stars; one submission).

Conditions:
Cardiomyopathy (CMYO). Also called: Cardiomyopathies. Identifiers: Orphanet 167848, MedGen C0878544, MONDO:0004994, HP:0001638. Inheritance: Various modes of inheritance.

Allele frequency attached by ClinVar (database versions not stated): TOPMed below 0.00001.

Submission:

Color Diagnostics, LLC DBA Color Health
Classification: Uncertain significance for Cardiomyopathy. Last evaluated: 2020-08-05. Review status: criteria provided, single submitter. Criteria: ACMG Guidelines, 2015. Collection method: clinical testing. Allele origin: germline.
Comment: This missense variant replaces isoleucine with valine at codon 128 of the LMNA protein. Computational prediction suggests that this variant may not impact protein structure and function (internally defined REVEL score threshold <= 0.5, PMID: 27666373). To our knowledge, functional studies have not been reported for this variant. This variant has not been reported in individuals affected with cardiovascular disorders in the literature. This variant has not been identified in the general population by the Genome Aggregation Database (gnomAD). The available evidence is insufficient to determine the role of this variant in disease conclusively. Therefore, this variant is classified as a Variant of Uncertain Significance.

NM_170707.4(LMNA):c.382A>G (p.Ile128Val)

Genes: LMNA (lamin A/C; plus strand), LOC126805877 (MED14-independent group 3 enhancer GRCh37_chr1:156099693-156100892; plus strand). Cytogenetic location: 1q22.
Variant type: single nucleotide variant.
Coding change: c.382A>G on transcript NM_170707.4 (MANE Select); coding-DNA position 382, A replaced by G.
Protein change: p.Ile128Val; replaces isoleucine 128 with valine.
Molecular consequence: missense variant.
Genome position (GRCh38, 1-based): chr1:156,130,642, A>G. VCF-style: chr1-156130642-A-G. GRCh37 (hg19) VCF-style: chr1-156100433-A-G.
Other names: c.46A>G, p.Ile16Val (NM_001257374.3); c.139A>G, p.Ile47Val (NM_001282624.2); c.382A>G, p.Ile128Val (NM_001282625.2, NM_001282626.2, NM_005572.4 and 1 more transcripts); short protein forms I128V, I16V, I47V.
Identifiers: ClinVar variation 1171092 (VCV001171092.2), dbSNP rs1338283666, ClinGen allele CA342815101.